The following is an entry in ClinVar:

NM_001753.5(CAV1):c.284C>T (p.Thr95Met)

Gene: CAV1 (caveolin 1; plus strand). Cytogenetic location: 7q31.2.
Variant type: single nucleotide variant.
Coding change: c.284C>T on transcript NM_001753.5 (MANE Select); coding-DNA position 284, C replaced by T.
Protein change: p.Thr95Met; replaces threonine 95 with methionine.
Molecular consequence: missense variant.
Genome position (GRCh38, 1-based): chr7:116,559,034, C>T. VCF-style: chr7-116559034-C-T. GRCh37 (hg19) VCF-style: chr7-116199088-C-T.
Other names: c.191C>T, p.Thr64Met (NM_001172895.1, NM_001172896.2, NM_001172897.2); short protein forms T64M, T95M.
Identifiers: ClinVar variation 2663785 (VCV002663785.4), dbSNP rs372416448, ClinGen allele CA4447860.

ClinVar aggregate classification (germline): Uncertain significance. Review status: criteria provided, multiple submitters, no conflicts (2 of 4 stars). 3 submissions from 3 submitters: Uncertain significance (2). 1 of the submissions does not count toward it. Last evaluated 2024-05-25.

Conditions:
Congenital generalized lipodystrophy type 3 (CGL3). Also called: BERARDINELLI-SEIP CONGENITAL LIPODYSTROPHY, TYPE 3. Identifiers: Orphanet 528, Orphanet 696206, MedGen C2675861, MONDO:0012923, OMIM 612526.
Pulmonary hypertension, primary, 3. Identifiers: Orphanet 422, MedGen C3809192, MONDO:0014135, OMIM 615343.
Partial lipodystrophy, congenital cataracts, and neurodegeneration syndrome (FPLD7). Identifiers: MedGen C3807567, MONDO:0011714, OMIM 606721.
CAV1-related disorder. Also called: CAV1-related condition.
Radioulnar synostosis with amegakaryocytic thrombocytopenia 2 (RUSAT2). Also called: RADIOULNAR SYNOSTOSIS AND AMEGAKARYOCYTIC THROMBOCYTOPENIA 2. Identifiers: Orphanet 71289, MedGen C4225221, MONDO:0014758, OMIM 616738.

Allele frequency attached by ClinVar (database versions not stated): ExAC 0.00002; gnomAD exomes 0.00003; ESP Exome Variant Server 0.00008; gnomAD 0.00009; TOPMed 0.00013; 1000 Genomes Project 0.00020; 1000 Genomes Project 30x 0.00031.

Submissions (3):

Fulgent Genetics
Classification: Uncertain significance for Partial lipodystrophy, congenital cataracts, and neurodegeneration syndrome; Congenital generalized lipodystrophy type 3; Pulmonary hypertension, primary, 3. Last evaluated: 2024-05-25. Review status: criteria provided, single submitter. Criteria: ACMG Guidelines, 2015. Collection method: clinical testing. Allele origin: germline.

DECIPHERD-UDD, Universidad del Desarrollo
Classification: Uncertain significance for Radioulnar synostosis with amegakaryocytic thrombocytopenia 2. Last evaluated: 2023-07-01. Review status: criteria provided, single submitter. Criteria: ACMG Guidelines, 2015. Collection method: research. Allele origin: maternal. Affected: yes.

PreventionGenetics, part of Exact Sciences
Classification: Uncertain significance for CAV1-related condition. Last evaluated: 2023-10-26. Review status: no assertion criteria provided. Collection method: clinical testing. Allele origin: germline. Not counted in ClinVar's aggregate classification.
Comment: The CAV1 c.284C>T variant is predicted to result in the amino acid substitution p.Thr95Met. This variant has been reported in an individual with idiopathic pulmonary arterial hypertension (referred to as p.Thr64Met in Table S3, Zhu et al. 2019. PubMed ID: 31727138). This variant is reported in 0.024% of alleles in individuals of African descent in gnomAD. At this time, the clinical significance of this variant is uncertain due to the absence of conclusive functional and genetic evidence.

Literature cited by the submitters: PubMed 38177409 (cited by DECIPHERD-UDD, Universidad del Desarrollo).